The following is an entry in ClinVar:

NM_000921.5(PDE3A):c.24A>G (p.Ala8=)

Genes: PDE3A (phosphodiesterase 3A; plus strand), PDE3A-AS1 (PDE3A antisense RNA 1; minus strand). Cytogenetic location: 12p12.2.
Variant type: single nucleotide variant.
Coding change: c.24A>G on transcript NM_000921.5 (MANE Select); coding-DNA position 24, A replaced by G.
Protein change: p.Ala8=; no amino-acid change (alanine 8 retained).
Molecular consequence: synonymous variant. On other transcripts: 5 prime UTR variant (1).
Genome position (GRCh38, 1-based): chr12:20,369,308, A>G. VCF-style: chr12-20369308-A-G. GRCh37 (hg19) VCF-style: chr12-20522242-A-G.
Other names: c.24A>G (NM_000921.4); c.24A>G, p.Ala8= (NM_001378407.1); c.-1005A>G (NM_001378408.1).
Identifiers: ClinVar variation 2160171 (VCV002160171.6), dbSNP rs367945484, ClinGen allele CA6473336.
Genomic context (GRCh38, chr12:20,369,308, plus strand): 5'-GGCCACTGGGAATTCAGTGAAGAGGGCACCCTATACCATGGCAGTGCCCGGCGACGCTGC[A>G]CGAGTCAGGGACAAGCCCGTCCACAGTGGGGTGAGTCAAGCCCCCACGGCGGGCCGGGAC-3'
Protein context (NP_000912.3, residues 1-18): MAVPGDA[Ala8=]RVRDKPVHSG

ClinVar aggregate classification (germline): Benign. Review status: criteria provided, single submitter (1 of 4 stars). 2 submissions from 2 submitters: Benign (1). 1 of the submissions does not count toward it. Last evaluated 2025-11-12.

Conditions:
PDE3A-related disorder. Also called: PDE3A-related condition.

Allele frequency attached by ClinVar (database versions not stated): gnomAD exomes 0.00019; ESP Exome Variant Server 0.00056; ExAC 0.00099; 1000 Genomes Project 0.00120; 1000 Genomes Project 30x 0.00156; gnomAD 0.00162; TOPMed 0.00175.
gnomAD v4.1: 512 of 1,531,806 alleles (0.033%); highest among the groups gnomAD compares: African/African-American, 0.61%; 3 homozygotes.

Submissions (2):

Labcorp Genetics (formerly Invitae), Labcorp
Classification: Benign. Last evaluated: 2025-11-12. Review status: criteria provided, single submitter. Criteria: Invitae Variant Classification Sherloc (09022015). Collection method: clinical testing. Allele origin: germline.

PreventionGenetics, part of Exact Sciences
Classification: Benign for PDE3A-related condition. Last evaluated: 2019-12-20. Review status: no assertion criteria provided. Collection method: clinical testing. Allele origin: germline. Not counted in ClinVar's aggregate classification.
Comment: This variant is classified as benign based on ACMG/AMP sequence variant interpretation guidelines (Richards et al. 2015 PMID: 25741868, with internal and published modifications).